The following is an entry in ClinVar:

ClinVar aggregate classification (germline): Uncertain significance (1 of 4 stars; one submission).

gnomAD v4.1: 19 of 1,611,490 alleles (0.0012%); highest among the groups gnomAD compares: African/African-American, 0.023%; no homozygotes.

Submission:

Labcorp Genetics (formerly Invitae), Labcorp
Classification: Uncertain significance. Last evaluated: 2025-05-20. Review status: criteria provided, single submitter. Criteria: Invitae Variant Classification Sherloc (09022015). Collection method: clinical testing. Allele origin: germline.
Comment: This sequence change replaces proline, which is neutral and non-polar, with serine, which is neutral and polar, at codon 500 of the CYP51A1 protein (p.Pro500Ser). This variant is present in population databases (rs763338165, gnomAD 0.007%). This variant has not been reported in the literature in individuals affected with CYP51A1-related conditions. An algorithm developed to predict the effect of missense changes on protein structure and function (PolyPhen-2) suggests that this variant is likely to be disruptive. In summary, the available evidence is currently insufficient to determine the role of this variant in disease. Therefore, it has been classified as a Variant of Uncertain Significance.

NM_000786.4(CYP51A1):c.1498C>T (p.Pro500Ser)

Gene: CYP51A1 (cytochrome P450 family 51 subfamily A member 1; minus strand). Cytogenetic location: 7q21.2.
Variant type: single nucleotide variant.
Coding change: c.1498C>T on transcript NM_000786.4 (MANE Select); coding-DNA position 1498, C replaced by T.
Protein change: p.Pro500Ser; replaces proline 500 with serine.
Molecular consequence: missense variant.
Genome position (GRCh38, 1-based): chr7:92,113,697, G>A on the plus strand (C>T on the coding strand, the complement: CYP51A1 is on the minus strand). VCF-style: chr7-92113697-G-A. GRCh37 (hg19) VCF-style: chr7-91743011-G-A.
Other names: c.1183C>T, p.Pro395Ser (NM_001146152.2); short protein forms P395S, P500S.
Identifiers: ClinVar variation 4751892 (VCV004751892.1).